The following is an entry in ClinVar:

ClinVar aggregate classification (germline): Uncertain significance (1 of 4 stars; one submission).

Submission:

Labcorp Genetics (formerly Invitae), Labcorp
Classification: Uncertain significance. Last evaluated: 2022-02-11. Review status: criteria provided, single submitter. Criteria: Invitae Variant Classification Sherloc (09022015). Collection method: clinical testing. Allele origin: germline.
Comment: In summary, the available evidence is currently insufficient to determine the role of this variant in disease. Therefore, it has been classified as a Variant of Uncertain Significance. Algorithms developed to predict the effect of missense changes on protein structure and function (SIFT, PolyPhen-2, Align-GVGD) all suggest that this variant is likely to be tolerated. This variant has not been reported in the literature in individuals affected with FOXP1-related conditions. This variant is not present in population databases (gnomAD no frequency). This sequence change replaces serine, which is neutral and polar, with asparagine, which is neutral and polar, at codon 237 of the FOXP1 protein (p.Ser237Asn).

NM_001349338.3(FOXP1):c.710G>A (p.Ser237Asn)

Gene: FOXP1 (forkhead box P1; minus strand). Cytogenetic location: 3p13.
Variant type: single nucleotide variant.
Coding change: c.710G>A on transcript NM_001349338.3 (MANE Select); coding-DNA position 710, G replaced by A.
Protein change: p.Ser237Asn; replaces serine 237 with asparagine.
Molecular consequence: missense variant. On other transcripts: non-coding transcript variant (2).
Genome position (GRCh38, 1-based): chr3:71,041,487, C>T on the plus strand (G>A on the coding strand, the complement: FOXP1 is on the minus strand). VCF-style: chr3-71041487-C-T. GRCh37 (hg19) VCF-style: chr3-71090638-C-T.
Other names: c.710G>A, p.Ser237Asn (NM_001244808.3, NM_001244810.2, NM_001244814.3 and 4 more transcripts); c.482G>A, p.Ser161Asn (NM_001244812.3); c.410G>A, p.Ser137Asn (NM_001244813.3, NM_001244815.2, NM_001349342.3 and 1 more transcripts); c.407G>A, p.Ser136Asn (NM_001349337.2, NM_001349343.3, NM_001349344.3); c.707G>A, p.Ser236Asn (NM_001349341.3); short protein forms S136N, S236N, S237N, S161N, S137N.
Identifiers: ClinVar variation 2089106 (VCV002089106.4), dbSNP rs2545771942, ClinGen allele CA353562888.